The following is an entry in ClinVar:

NM_001033047.3(NPNT):c.604G>A (p.Asp202Asn)

Gene: NPNT (nephronectin; plus strand). Cytogenetic location: 4q24.
Variant type: single nucleotide variant.
Coding change: c.604G>A on transcript NM_001033047.3 (MANE Select); coding-DNA position 604, G replaced by A.
Protein change: p.Asp202Asn; replaces aspartic acid 202 with asparagine.
Molecular consequence: missense variant.
Genome position (GRCh38, 1-based): chr4:105,940,173, G>A. VCF-style: chr4-105940173-G-A. GRCh37 (hg19) VCF-style: chr4-106861330-G-A.
Other names: c.655G>A, p.Asp219Asn (NM_001184690.2); c.694G>A, p.Asp232Asn (NM_001184691.2, NM_001184693.2); c.604G>A, p.Asp202Asn (NM_001184692.2); short protein forms D219N, D202N, D232N.
Identifiers: ClinVar variation 2265872 (VCV002265872.4), dbSNP rs199598735, ClinGen allele CA3034254.

ClinVar aggregate classification (germline): Uncertain significance. Review status: criteria provided, multiple submitters, no conflicts (2 of 4 stars). 2 submissions from 2 submitters: Uncertain significance (2). Last evaluated 2026-01-02.

Conditions:
NPNT-related condition.

Allele frequency attached by ClinVar (database versions not stated): gnomAD exomes 0.00002; ExAC 0.00006; ESP Exome Variant Server 0.00008; gnomAD 0.00009; TOPMed 0.00011; 1000 Genomes Project 0.00020; 1000 Genomes Project 30x 0.00031.

Submissions (2):

PreventionGenetics, part of Exact Sciences
Classification: Uncertain significance for NPNT-related condition. Last evaluated: 2026-01-02. Review status: criteria provided, single submitter. Criteria: ACMG Guidelines, 2015. Collection method: clinical testing. Allele origin: germline.
Comment: The NPNT c.694G>A variant is predicted to result in the amino acid substitution p.Asp232Asn. To our knowledge, this variant has not been reported in the literature. This variant is reported in 0.037% of alleles in individuals of African descent in gnomAD. At this time, the clinical significance of this variant is uncertain due to the absence of conclusive functional and genetic evidence.

Ambry Genetics
Classification: Uncertain significance. Last evaluated: 2024-10-12. Review status: criteria provided, single submitter. Criteria: Ambry Variant Classification Scheme 2023. Collection method: clinical testing. Allele origin: germline.